The following is an entry in ClinVar:

ClinVar aggregate classification (germline): Uncertain significance (1 of 4 stars; one submission).

Conditions:
Hereditary cancer-predisposing syndrome. Also called: Hereditary Cancer Syndrome; Neoplastic Syndromes, Hereditary; Tumor predisposition; Hereditary neoplastic syndrome. Identifiers: Orphanet 140162, MedGen C0027672, MeSH D009386, MONDO:0015356.

Submission:

Ambry Genetics
Classification: Uncertain significance for Hereditary cancer-predisposing syndrome. Last evaluated: 2021-01-06. Review status: criteria provided, single submitter. Criteria: Ambry Variant Classification Scheme 2023. Collection method: clinical testing. Allele origin: germline.
Comment: The p.K1744T variant (also known as c.5231A>C), located in coding exon 15 of the APC gene, results from an A to C substitution at nucleotide position 5231. The lysine at codon 1744 is replaced by threonine, an amino acid with similar properties. This amino acid position is well conserved in available vertebrate species. In addition, in silico predictors for this gene do not accurately predict pathogenicity. Since supporting evidence is limited at this time, the clinical significance of this alteration remains unclear.

NM_000038.6(APC):c.5231A>C (p.Lys1744Thr)

Gene: APC (APC regulator of Wnt signaling pathway; plus strand). Cytogenetic location: 5q22.2.
Variant type: single nucleotide variant.
Coding change: c.5231A>C on transcript NM_000038.6 (MANE Select); coding-DNA position 5231, A replaced by C.
Protein change: p.Lys1744Thr; replaces lysine 1744 with threonine.
Molecular consequence: missense variant.
Genome position (GRCh38, 1-based): chr5:112,840,825, A>C. VCF-style: chr5-112840825-A-C. GRCh37 (hg19) VCF-style: chr5-112176522-A-C.
Other names: c.5231A>C, p.Lys1744Thr (NM_001127510.3, NM_001354895.2, NM_001407450.1); c.5177A>C, p.Lys1726Thr (NM_001127511.3); c.5285A>C, p.Lys1762Thr (NM_001354896.2, NM_001407447.1, NM_001407448.1 and 1 more transcripts); c.5261A>C, p.Lys1754Thr (NM_001354897.2); c.5156A>C, p.Lys1719Thr (NM_001354898.2); c.5147A>C, p.Lys1716Thr (NM_001354899.2); c.5108A>C, p.Lys1703Thr (NM_001354900.2); c.5054A>C, p.Lys1685Thr (NM_001354901.2, NM_001407453.1); and 11 more; short protein forms K1643T, K1716T, K1726T, K1734T, K1744T, K1762T, K1584T, K1615T.
Identifiers: ClinVar variation 1746238 (VCV001746238.2), dbSNP rs2149935299, ClinGen allele CA16032764.